The following is an entry in ClinVar:

NM_004385.5(VCAN):c.7977T>G (p.Asp2659Glu)

Genes: VCAN (versican; plus strand), VCAN-AS1 (VCAN antisense RNA 1; minus strand). Cytogenetic location: 5q14.3.
Variant type: single nucleotide variant.
Coding change: c.7977T>G on transcript NM_004385.5 (MANE Select); coding-DNA position 7977, T replaced by G.
Protein change: p.Asp2659Glu; replaces aspartic acid 2659 with glutamic acid.
Molecular consequence: missense variant. On other transcripts: intron variant (2).
Genome position (GRCh38, 1-based): chr5:83,540,980, T>G. VCF-style: chr5-83540980-T-G. GRCh37 (hg19) VCF-style: chr5-82836799-T-G.
Other names: c.7977T>G (NM_004385.4); c.5016T>G, p.Asp1672Glu (NM_001164097.2); c.4004-4557T>G (NM_001164098.2); c.1043-4557T>G (NM_001126336.3); short protein forms D1672E, D2659E.
Identifiers: ClinVar variation 1045071 (VCV001045071.9), dbSNP rs61754537, ClinGen allele CA3333724.

ClinVar aggregate classification (germline): Uncertain significance. Review status: criteria provided, multiple submitters, no conflicts (2 of 4 stars). 2 submissions from 2 submitters: Uncertain significance (2). Last evaluated 2025-12-24.

Conditions:
Inborn genetic diseases. Identifiers: MedGen C0950123, MeSH D030342.

Allele frequency attached by ClinVar (database versions not stated): TOPMed below 0.00001; gnomAD 0.00001; gnomAD exomes 0.00001; ExAC 0.00003.
gnomAD v4.1: 44 of 1,613,988 alleles (0.0027%); highest among the groups gnomAD compares: Non-Finnish European, 0.0036%; no homozygotes.

Submissions (2):

Labcorp Genetics (formerly Invitae), Labcorp
Classification: Uncertain significance. Last evaluated: 2025-12-24. Review status: criteria provided, single submitter. Criteria: Invitae Variant Classification Sherloc (09022015). Collection method: clinical testing. Allele origin: germline.
Comment: This sequence change replaces aspartic acid, which is acidic and polar, with glutamic acid, which is acidic and polar, at codon 2659 of the VCAN protein (p.Asp2659Glu). This variant is present in population databases (rs61754537, gnomAD 0.003%). This variant has not been reported in the literature in individuals affected with VCAN-related conditions. ClinVar contains an entry for this variant (Variation ID: 1045071). An algorithm developed to predict the effect of missense changes on protein structure and function (PolyPhen-2) suggests that this variant is likely to be tolerated. In summary, the available evidence is currently insufficient to determine the role of this variant in disease. Therefore, it has been classified as a Variant of Uncertain Significance.

Ambry Genetics
Classification: Uncertain significance for Inborn genetic diseases. Last evaluated: 2025-08-22. Review status: criteria provided, single submitter. Criteria: Ambry Variant Classification Scheme 2023. Collection method: clinical testing. Allele origin: germline.